The following is an entry in ClinVar:

ClinVar aggregate classification (germline): Pathogenic (1 of 4 stars; one submission).

Conditions:
Familial hemiplegic migraine. Identifiers: MedGen C0338484, MONDO:0000700.

Submission:

Labcorp Genetics (formerly Invitae), Labcorp
Classification: Pathogenic for Familial hemiplegic migraine. Last evaluated: 2022-10-14. Review status: criteria provided, single submitter. Criteria: Invitae Variant Classification Sherloc (09022015). Collection method: clinical testing. Allele origin: germline.
Comment: For these reasons, this variant has been classified as Pathogenic. Experimental studies have shown that this variant affects ATP1A2 function (PMID: 24921013). Algorithms developed to predict the effect of variants on protein structure and function are not available or were not evaluated for this variant. This variant has been observed in individual(s) with hemiplegic migrane (PMID: 20837964). In at least one individual the variant was observed to be de novo. This variant is not present in population databases (gnomAD no frequency). This variant, c.2980_2982del, results in the deletion of 1 amino acid(s) of the ATP1A2 protein (p.Leu994del), but otherwise preserves the integrity of the reading frame.

Literature cited by the submitters: PubMed 24921013; PubMed 20837964.

NM_000702.4(ATP1A2):c.2977CTC[1] (p.Leu994del)

Gene: ATP1A2 (ATPase Na+/K+ transporting subunit alpha 2; plus strand). Cytogenetic location: 1q23.2.
Variant type: Microsatellite.
Coding change: c.2977CTC[1] on transcript NM_000702.4 (MANE Select); one copy of the 3-base unit CTC starting at c.2977; the reference has two copies in a row; one copy, 3 bases deleted.
Protein change: p.Leu994del; deletes leucine 994.
Molecular consequence: inframe deletion.
Genome position (GRCh38, 1-based): chr1:160,139,930-160,139,932, CTC deleted; deleting any 3 consecutive bases within chr1:160,139,926-160,139,932 gives the same sequence; the position shown is the placement nearest the transcript's 3' end. VCF-style (leftmost placement, unchanged base first): chr1-160139925-GCCT-G. GRCh37 (hg19) VCF-style: chr1-160109715-GCCT-G.
Other names: short protein forms L994del.
Identifiers: ClinVar variation 2202868 (VCV002202868.4), dbSNP rs2524899114, ClinGen allele CA2580611210.